The following is an entry in ClinVar:

ClinVar aggregate classification (germline): Pathogenic/Likely pathogenic. Review status: criteria provided, multiple submitters, no conflicts (2 of 4 stars). 10 submissions from 10 submitters: Pathogenic (5); Likely pathogenic (4). 1 of the submissions does not count toward it. Last evaluated 2026-03-19.

Conditions:
Cardiovascular phenotype. Identifiers: MedGen CN230736.
Hereditary cancer-predisposing syndrome. Also called: Neoplastic Syndromes, Hereditary; Tumor predisposition; Hereditary Cancer Syndrome; Hereditary neoplastic syndrome. Identifiers: Orphanet 140162, MedGen C0027672, MeSH D009386, MONDO:0015356.
Neurofibromatosis-Noonan syndrome (NFNS). Also called: NEUROFIBROMATOSIS WITH NOONAN PHENOTYPE. Identifiers: Orphanet 638, MedGen C2931482, MONDO:0011035, OMIM 601321. Disease mechanism: loss of function.
Neurofibromatosis, type 1 (NF1). Also called: Peripheral type neurofibromatosis; Neurofibromatosis, type I; VON RECKLINGHAUSEN DISEASE; NEUROFIBROMATOSIS, TYPE I, SOMATIC. Identifiers: Orphanet 636, MedGen C0027831, MONDO:0018975, OMIM 162200. Disease mechanism: loss of function.

Allele frequency attached by ClinVar (database versions not stated): gnomAD 0.00001; TOPMed 0.00001.

Submissions (10):

Myriad Genetics, Inc.
Classification: Likely pathogenic for Neurofibromatosis, type 1. Last evaluated: 2026-03-19. Review status: criteria provided, single submitter. Criteria: Myriad Autosomal Dominant, Autosomal Recessive and X-Linked Classification Criteria (2023). Collection method: clinical testing. Allele origin: unknown.
Comment: This variant is considered likely pathogenic. This variant has been reported in multiple individuals with clinical features of gene-specific disease [PMID: 10607834, 18546366, 26635368]. Functional studies indicate this variant impacts protein function [PMID: 22807134].

Clinical Genomics Laboratory, Washington University in St. Louis
Classification: Pathogenic for Neurofibromatosis, type 1. Last evaluated: 2026-02-23. Review status: criteria provided, single submitter. Criteria: ACMG Guidelines, 2015. Collection method: clinical testing. Allele origin: germline. Affected: yes.
Comment: An NF1 c.3610C>T (p.Arg1204Trp) variant was identified at a near heterozygous allelic fraction of 47.5%, a frequency that may be consistent with germline origin. This variant has been reported in the literature in several individuals with Neurofibromatosis, type 1 (Ars E et al., PMID: 10607834; Krkljus S et al., PMID: 10336779; Pros E et al., PMID: 18546366). It has also been reported in the ClinVar database as a germline likely pathogenic/pathogenic variant by five submitters (ClinVar Variation ID: 68338). It is only observed on 5/1,613,890 alleles in the general population (gnomAD v4.10), indicating it is not a common variant. The NF1 c.3610C>T (p.Arg1204Trp) variant resides within a region, the GRD domain, of NF1, that is defined as a critical functional domain (Scheurlen WG et al., PMID: 7657385). Computational predictors indicate that the variant is damaging, evidence that correlates with impact on NF1 function. In support of this prediction, functional studies showed that the p.Arg1204Trp variant had significantly elevated levels of activated GTP-bound Ras by comparison with the wild-type NF1 protein (Thomas L et al., PMID: 22807134; Hirata Y et al., PMID: 26635368). Based on available information and the ACMG/AMP guidelines for variant interpretation (Richards S et al., PMID: 25741868), this variant is classified as pathogenic.

Labcorp Genetics (formerly Invitae), Labcorp
Classification: Pathogenic for Neurofibromatosis, type 1. Last evaluated: 2026-01-31. Review status: criteria provided, single submitter. Criteria: Invitae Variant Classification Sherloc (09022015). Collection method: clinical testing. Allele origin: germline.
Comment: This sequence change replaces arginine, which is basic and polar, with tryptophan, which is neutral and slightly polar, at codon 1204 of the NF1 protein (p.Arg1204Trp). This variant is not present in population databases (gnomAD no frequency). This missense change has been observed in individuals with neurofibromatosis type 1 (PMID: 10607834, 22807134, 26635368). It has also been observed to segregate with disease in related individuals. ClinVar contains an entry for this variant (Variation ID: 68338). Invitae Evidence Modeling of protein sequence and biophysical properties (such as structural, functional, and spatial information, amino acid conservation, physicochemical variation, residue mobility, and thermodynamic stability) indicates that this missense variant is expected to disrupt NF1 protein function with a positive predictive value of 95%. Experimental studies have shown that this missense change affects NF1 function (PMID: 22807134). This variant disrupts the p.Arg1204 amino acid residue in NF1. Other variant(s) that disrupt this residue have been determined to be pathogenic (PMID: 10336779, 22807134, 26635368, 27322474; internal data). This suggests that this residue is clinically significant, and that variants that disrupt this residue are likely to be disease-causing. For these reasons, this variant has been classified as Pathogenic.

Clinical Genomic Analysis (GENYSIS) Core, University of North Carolina at Chapel Hill
Classification: Likely pathogenic for Neurofibromatosis, type 1. Last evaluated: 2025-11-12. Review status: criteria provided, single submitter. Criteria: ACMG Guidelines, 2015. Collection method: research. Allele origin: unknown. Affected: yes. Observed: 1 variant allele, 1 heterozygote. Study: UNC Genetic Determinants of Neurological and Developmental Disorders (GDNDD) Study.
Comment: NF1 c.3610C>T, p.(Arg1204Trp), is a missense variant in exon 27 of 58 that changes a single highly conserved amino acid from an arginine to a tryptophan in the encoded protein. This is a rare variant present at an allele frequency of 0.0003% (5/1613890 alleles) in gnomADv4.1 and is classified as pathogenic/likely pathogenic by several clinical laboratories in ClinVar. The c.3610C>T, p.(Arg1204Trp), variant has been seen in at least two unrelated individuals with a clinical diagnosis of NF1 (PMID:10607834, PMID:22807134). Other variants that affect the same arginine amino acid at position 1204 [c.3610C>G; p.(Arg1204Gly) and c.3611G>T; p.(Arg1204Leu)] have been reported in individuals with NF1, and functional studies have demonstrated Arg1204 variants result in reduced protein function, supporting the critical role of the Arg1204 amino acid (PMID:26635368). Based on the available information, the NF1 c.3610C>T, p.(Arg1204Trp), variant is classified as likely pathogenic. ACMG codes: PS3_supporting (functional data), PM5 (p.Arg1204Gly and p.Arg1204Leu also pathogenic), PP1 (co-segregation), PP3 (REVEL score between 0.644 and 0.773), PP4 (highly specific phenotype).

3billion
Classification: Pathogenic for Neurofibromatosis, type 1. Last evaluated: 2025-05-10. Review status: criteria provided, single submitter. Criteria: ACMG Guidelines, 2015. Collection method: clinical testing. Allele origin: germline. Affected: yes.
Comment: The variant is observed at an extremely low frequency in the gnomAD v4.1.0 dataset (total allele frequency: <0.001%). Predicted Consequence/Location: The variant is located in a mutational hot spot and/or well-established functional domain in which established pathogenic variants have been reported (PMID: 22807134). In silico tool predictions suggest damaging effect of the variant on gene or gene product [REVEL: 0.76 (>=0.6, sensitivity 0.68 and specificity 0.92); 3Cnet: 0.99 (> 0.75, sensitivity 0.96 and precision 0.92)]. The same nucleotide change resulting in the same amino acid change has been previously reported as pathogenic/likely pathogenic with strong evidence (ClinVar ID: VCV000068338 /PMID: 10607834). Different missense changes at the same codon (p.Arg1204Gln, p.Arg1204Gly, p.Arg1204Leu) have been reported as pathogenic/likely pathogenic with strong evidence (ClinVar ID: VCV000068337, VCV000384082, VCV000823990 /PMID: 10336779 /3billion dataset). Therefore, this variant is classified as Pathogenic according to the recommendation of ACMG/AMP guideline.

Ambry Genetics
Classification: Likely pathogenic for Cardiovascular phenotype; Hereditary cancer-predisposing syndrome. Last evaluated: 2024-10-16. Review status: criteria provided, single submitter. Criteria: Ambry Variant Classification Scheme 2023. Collection method: clinical testing. Allele origin: germline.
Comment: The p.R1204W variant (also known as c.3610C>T), located in coding exon 27 of the NF1 gene, results from a C to T substitution at nucleotide position 3610. The arginine at codon 1204 is replaced by tryptophan, an amino acid with dissimilar properties. This alteration has been reported in individuals with a clinical diagnosis of neurofibromatosis type 1 (Ars E et al. Hum. Mol. Genet. 2000 Jan;9:237-47; Hirata Y et al. J. Biol. Chem. 2016 Feb;291:3124-34). Functional analysis of this alteration in an in vitro Ras-activation assay shows significantly elevated levels of activated Ras compared to wild type (Thomas L et al. Hum. Mutat. 2012 Dec;33:1687-96). This amino acid position is highly conserved in available vertebrate species. In addition, this alteration is predicted to be deleterious by in silico analysis. Based on the majority of available evidence to date, this variant is likely to be pathogenic.

GeneDx
Classification: Pathogenic. Last evaluated: 2023-08-30. Review status: criteria provided, single submitter. Criteria: GeneDx Variant Classification Process June 2021. Collection method: clinical testing. Allele origin: germline. Affected: yes.
Comment: Identified in individuals with suspected or clinically diagnosed Neurofibromatosis type 1 in published literature (Ars et al., 2000; Pros et al., 2008; Thomas et al., 2012; Hirata et al., 2016); Published functional studies demonstrate a damaging effect: impaired Ras activation in vitro and reduced protein-protein interaction in yeast two-hybrid assays (Thomas et al., 2012; Hirata et al., 2016); In silico analysis supports that this missense variant has a deleterious effect on protein structure/function; Not observed in large population cohorts (gnomAD); This variant is associated with the following publications: (PMID: 10607834, 24803665, 26635368, 22807134, 10336779, 27322474, 18546366, 31784493, 25486365)

Genome-Nilou Lab
Classification: Likely pathogenic for Neurofibromatosis, type 1. Last evaluated: 2022-03-15. Review status: criteria provided, single submitter. Criteria: ACMG Guidelines, 2015. Collection method: clinical testing. Allele origin: germline. Affected: no.

Neuberg Centre For Genomic Medicine, NCGM
Classification: Pathogenic for Neurofibromatosis-Noonan syndrome. Review status: criteria provided, single submitter. Criteria: ACMG Guidelines, 2015. Collection method: clinical testing. Allele origin: germline. Inheritance: Autosomal dominant inheritance. Affected: yes.
Comment: The missense NF1 c.3610C>T (p.Arg1204Trp) variant has been reported in individuals with a clinical diagnosis of neurofibromatosis type 1 (Ars E et al.,2000 ; Hirata Y et al. 2016 Feb). Functional analysis of this alteration in an in vitro Ras-activation assay shows significantly elevated levels of activated Ras compared to wild type (Thomas L et al., 2012).The p.Arg1204Trp variant is novel (not in any individuals) in gnomAD Exomes and 1000 Genomes. This missense variant has been reported to the ClinVar database as Pathogenic/ Likely Pathogenic variant. This variant results from a C to T substitution at nucleotide position 3610. The amino acid Arg at position 1204 is changed to a Trp changing protein sequence and it might alter its composition and physico-chemical properties. The variant is predicted to be damaging by both SIFT and PolyPhen2. The residue is conserved across species. The amino acid change p.Arg1204Trp in NF1 is predicted as conserved by GERP++ and PhyloP across 100 vertebrates. For these reasons, this variant has been classified as Pathogenic.

UniProtKB/Swiss-Prot
No classification provided. Review status: no classification provided. Collection method: not provided. Allele origin: not provided. Not counted in ClinVar's aggregate classification.

Literature cited by the submitters: PubMed 10607834 (cited by 5 submitters); PubMed 18546366 (cited by Myriad Genetics, Inc.); PubMed 26635368 (cited by 4 submitters); PubMed 22807134 (cited by 4 submitters); PubMed 10336779 (cited by Labcorp Genetics (formerly Invitae), Labcorp and 3billion); PubMed 27322474 (cited by Labcorp Genetics (formerly Invitae), Labcorp); PubMed 24803665 (cited by Ambry Genetics).

NM_001042492.3(NF1):c.3610C>T (p.Arg1204Trp)

Gene: NF1 (neurofibromin 1; plus strand). Cytogenetic location: 17q11.2.
Variant type: single nucleotide variant.
Coding change: c.3610C>T on transcript NM_001042492.3 (MANE Select); coding-DNA position 3610, C replaced by T.
Protein change: p.Arg1204Trp; replaces arginine 1204 with tryptophan.
Molecular consequence: missense variant.
Genome position (GRCh38, 1-based): chr17:31,233,115, C>T. VCF-style: chr17-31233115-C-T. GRCh37 (hg19) VCF-style: chr17-29560133-C-T.
Other names: c.3610C>T, p.Arg1204Trp (NM_000267.4); short protein forms R1204W.
Identifiers: ClinVar variation 68338 (VCV000068338.20), dbSNP rs199474732, ClinGen allele CA219534.